The following is an entry in ClinVar:

ClinVar aggregate classification (germline): Uncertain significance. Review status: criteria provided, multiple submitters, no conflicts (2 of 4 stars). 2 submissions from 2 submitters: Uncertain significance (2). Last evaluated 2023-09-05.

Allele frequency attached by ClinVar (database versions not stated): gnomAD exomes below 0.00001; gnomAD 0.00002; TOPMed 0.00002.
gnomAD v4.1: 7 of 1,613,868 alleles (0.00043%); highest among the groups gnomAD compares: South Asian, 0.0011%; no homozygotes.

Submissions (2):

Labcorp Genetics (formerly Invitae), Labcorp
Classification: Uncertain significance. Last evaluated: 2023-09-05. Review status: criteria provided, single submitter. Criteria: Invitae Variant Classification Sherloc (09022015). Collection method: clinical testing. Allele origin: germline.
Comment: This variant is present in population databases (no rsID available, gnomAD 0.002%). This variant has not been reported in the literature in individuals affected with TULP1-related conditions. ClinVar contains an entry for this variant (Variation ID: 1018998). Advanced modeling of protein sequence and biophysical properties (such as structural, functional, and spatial information, amino acid conservation, physicochemical variation, residue mobility, and thermodynamic stability) performed at Invitae indicates that this missense variant is not expected to disrupt TULP1 protein function. In summary, the available evidence is currently insufficient to determine the role of this variant in disease. Therefore, it has been classified as a Variant of Uncertain Significance. This sequence change replaces lysine, which is basic and polar, with threonine, which is neutral and polar, at codon 156 of the TULP1 protein (p.Lys156Thr).

Blueprint Genetics
Classification: Uncertain significance. Last evaluated: 2022-03-24. Review status: criteria provided, single submitter. Criteria: ACMG Guidelines, 2015. Collection method: clinical testing. Allele origin: germline.

NM_003322.6(TULP1):c.467A>C (p.Lys156Thr)

Gene: TULP1 (TUB like protein 1; minus strand). Cytogenetic location: 6p21.31.
Variant type: single nucleotide variant.
Coding change: c.467A>C on transcript NM_003322.6 (MANE Select); coding-DNA position 467, A replaced by C.
Protein change: p.Lys156Thr; replaces lysine 156 with threonine.
Molecular consequence: missense variant.
Genome position (GRCh38, 1-based): chr6:35,510,893, T>G on the plus strand (A>C on the coding strand, the complement: TULP1 is on the minus strand). VCF-style: chr6-35510893-T-G. GRCh37 (hg19) VCF-style: chr6-35478670-T-G.
Other names: c.308A>C, p.Lys103Thr (NM_001289395.2); short protein forms K103T, K156T.
Identifiers: ClinVar variation 1018998 (VCV001018998.6), dbSNP rs1206325943, ClinGen allele CA363783078.